The following is an entry in ClinVar:

NM_007113.4(TCHH):c.3300G>A (p.Lys1100=)

Gene: TCHH (trichohyalin; minus strand). Cytogenetic location: 1q21.3.
Variant type: single nucleotide variant.
Coding change: c.3300G>A on transcript NM_007113.4 (MANE Select); coding-DNA position 3300, G replaced by A.
Protein change: p.Lys1100=; no amino-acid change (lysine 1100 retained).
Molecular consequence: synonymous variant.
Genome position (GRCh38, 1-based): chr1:152,109,917, C>T on the plus strand (G>A on the coding strand, the complement: TCHH is on the minus strand). VCF-style: chr1-152109917-C-T. GRCh37 (hg19) VCF-style: chr1-152082393-C-T.
Identifiers: ClinVar variation 2639188 (VCV002639188.25), dbSNP rs375717600, ClinGen allele CA1098272.

ClinVar aggregate classification (germline): Likely benign. Review status: criteria provided, multiple submitters, no conflicts (2 of 4 stars). 2 submissions from 2 submitters: Likely benign (2). Last evaluated 2024-11-14.

Allele frequency attached by ClinVar (database versions not stated): 1000 Genomes Project 0.00100; ExAC 0.00316; gnomAD 0.00344; ESP Exome Variant Server 0.00426; gnomAD exomes 0.00484.
gnomAD v4.1: 7,492 of 1,580,150 alleles (0.47%); highest among the groups gnomAD compares: Non-Finnish European, 0.56%; 19 homozygotes.

Submissions (2):

Blueprint Genetics
Classification: Likely benign. Last evaluated: 2024-11-14. Review status: criteria provided, single submitter. Criteria: ACMG Guidelines, 2015. Collection method: clinical testing. Allele origin: germline.

CeGaT Center for Human Genetics Tuebingen
Classification: Likely benign. Last evaluated: 2022-09-01. Review status: criteria provided, single submitter. Criteria: CeGaT Center For Human Genetics Tuebingen Variant Classification Criteria Version 2. Collection method: clinical testing. Allele origin: germline. Affected: yes. Observed: 1 variant allele.
Comment: TCHH: BP4, BP7